The following is an entry in ClinVar:

NM_016734.3(PAX5):c.722T>C (p.Phe241Ser)

Gene: PAX5 (paired box 5; minus strand). Cytogenetic location: 9p13.2.
Variant type: single nucleotide variant.
Coding change: c.722T>C on transcript NM_016734.3 (MANE Select); coding-DNA position 722, T replaced by C.
Protein change: p.Phe241Ser; replaces phenylalanine 241 with serine.
Molecular consequence: missense variant. On other transcripts: non-coding transcript variant (2).
Genome position (GRCh38, 1-based): chr9:36,966,607, A>G on the plus strand (T>C on the coding strand, the complement: PAX5 is on the minus strand). VCF-style: chr9-36966607-A-G. GRCh37 (hg19) VCF-style: chr9-36966604-A-G.
Other names: c.722T>C, p.Phe241Ser (NM_001280547.2, NM_001280548.2, NM_001280549.2 and 2 more transcripts); c.398T>C, p.Phe133Ser (NM_001280551.2, NM_001280556.2); c.593T>C, p.Phe198Ser (NM_001280553.2, NM_001280554.2); c.524T>C, p.Phe175Ser (NM_001280555.2); short protein forms F133S, F175S, F198S, F241S.
Identifiers: ClinVar variation 4861612 (VCV004861612.1).
Genomic context (GRCh38, chr9:36,966,607, plus strand): 5'-ACCTGCTCGGGCTTGATGGGCTCTGTGGTGGTGAAGATGTCTGAGTAGTGCTGCCTCTCA[A>G]ACACGCGGTCCAGCACCTCCAGCTGCTGCTGTGTGAACAAGTCTCCCCGCATCTGCTTCC-3'
Protein context (NP_057953.1, residues 231-251): QQQLEVLDRV[Phe241Ser]ERQHYSDIFT

ClinVar aggregate classification (germline): Uncertain significance (1 of 4 stars; one submission).

Conditions:
Inborn genetic diseases. Identifiers: MedGen C0950123, MeSH D030342.

Submission:

Ambry Genetics
Classification: Uncertain significance for Inborn genetic diseases. Last evaluated: 2026-04-28. Review status: criteria provided, single submitter. Criteria: Ambry Variant Classification Scheme 2023. Collection method: clinical testing. Allele origin: germline.
Comment: The p.F241S variant (also known as c.722T>C), located in coding exon 6 of the PAX5 gene, results from a T to C substitution at nucleotide position 722. The phenylalanine at codon 241 is replaced by serine, an amino acid with highly dissimilar properties. This amino acid position is conserved. In addition, this alteration is predicted to be deleterious by in silico analysis. Based on the available evidence, the clinical significance of this variant remains unclear.